The following is an entry in ClinVar:

ClinVar aggregate classification (germline): Uncertain significance (1 of 4 stars; one submission).

Submission:

Labcorp Genetics (formerly Invitae), Labcorp
Classification: Uncertain significance. Last evaluated: 2025-06-29. Review status: criteria provided, single submitter. Criteria: Invitae Variant Classification Sherloc (09022015). Collection method: clinical testing. Allele origin: germline.
Comment: This variant, c.256_258del, results in the deletion of 1 amino acid(s) of the CLCN7 protein (p.Asn86del), but otherwise preserves the integrity of the reading frame. This variant is not present in population databases (gnomAD no frequency). This variant has not been reported in the literature in individuals affected with CLCN7-related conditions. Experimental studies and prediction algorithms are not available or were not evaluated, and the functional significance of this variant is currently unknown. In summary, the available evidence is currently insufficient to determine the role of this variant in disease. Therefore, it has been classified as a Variant of Uncertain Significance.

NM_001287.6(CLCN7):c.256_258del (p.Asn86del)

Gene: CLCN7 (Cl-/H+ antiporter 7; minus strand). Cytogenetic location: 16p13.3.
Variant type: Deletion.
Coding change: c.256_258del on transcript NM_001287.6 (MANE Select); coding-DNA positions 256 to 258, 3 bases deleted (AAC; older notation c.256_258delAAC).
Protein change: p.Asn86del; deletes asparagine 86.
Genome position (GRCh38, 1-based): chr16:1,461,630-1,461,632, GTT deleted on the plus strand (AAC on the coding strand, the reverse complement: CLCN7 is on the minus strand); deleting any 3 consecutive bases within chr16:1,461,630-1,461,634 gives the same sequence; the c. name uses the placement nearest the transcript's 3' end. VCF-style (leftmost placement, unchanged base first): chr16-1461629-CGTT-C. GRCh37 (hg19) VCF-style: chr16-1511630-CGTT-C.
Other names: c.184_186del, p.Asn62del (NM_001114331.3); short protein forms N86del, N62del.
Identifiers: ClinVar variation 4770015 (VCV004770015.1).
Genomic context (GRCh38, chr16:1,461,629, plus strand): 5'-GGTCTCAGGGTCAGGGGGACAGAAGGACGCCCACCTCATACTTGAGGGACAGGAGCTTCT[CGTT>C]GTGTGGGATCTCCTTGGGGAAGGGATGTGGAGGGTCCATATCCTGTGGCAGAAAAAGGCA-3'